The following is an entry in ClinVar:

NM_014875.3(KIF14):c.557A>G (p.Gln186Arg)

Gene: KIF14 (kinesin family member 14; minus strand). Cytogenetic location: 1q32.1.
Variant type: single nucleotide variant.
Coding change: c.557A>G on transcript NM_014875.3 (MANE Select); coding-DNA position 557, A replaced by G.
Protein change: p.Gln186Arg; replaces glutamine 186 with arginine.
Molecular consequence: missense variant. On other transcripts: 5 prime UTR variant (1).
Genome position (GRCh38, 1-based): chr1:200,618,167, T>C on the plus strand (A>G on the coding strand, the complement: KIF14 is on the minus strand). VCF-style: chr1-200618167-T-C. GRCh37 (hg19) VCF-style: chr1-200587295-T-C.
Other names: c.-829A>G (NM_001305792.1); short protein forms Q186R.
Identifiers: ClinVar variation 5040644 (VCV005040644.1).

ClinVar aggregate classification (germline): Uncertain significance (1 of 4 stars; one submission).

Submission:

CeGaT Center for Human Genetics Tuebingen
Classification: Uncertain significance. Last evaluated: 2026-08-01. Review status: criteria provided, single submitter. Criteria: CeGaT Center For Human Genetics Tuebingen Variant Classification Criteria Version 2. Collection method: clinical testing. Allele origin: germline. Affected: yes. Observed: 1 variant allele.
Comment: KIF14: PM2, PM3, BP4